The following is an entry in ClinVar:

ClinVar aggregate classification (germline): Uncertain significance. Review status: criteria provided, multiple submitters, no conflicts (2 of 4 stars). 5 submissions from 4 submitters: Uncertain significance (5). Last evaluated 2025-12-14.

Conditions:
Hereditary cancer-predisposing syndrome. Also called: Tumor predisposition; Neoplastic Syndromes, Hereditary; Hereditary Cancer Syndrome; Hereditary neoplastic syndrome. Identifiers: Orphanet 140162, MedGen C0027672, MeSH D009386, MONDO:0015356.
Mandibular hypoplasia-deafness-progeroid syndrome. Also called: Mandibular hypoplasia, deafness, progeroid features, and lipodystrophy syndrome. Identifiers: Orphanet 363649, MedGen C3715192, MONDO:0014157, OMIM 615381.
POLD1-related polyposis and colorectal cancer syndrome (CRCS10). Also called: Colorectal cancer 10; COLORECTAL CANCER, SUSCEPTIBILITY TO, ON CHROMOSOME 19q; Colorectal cancer, susceptibility to, 10. Identifiers: Orphanet 220460, MedGen C2675481, MONDO:0012953, OMIM 612591.
Immunodeficiency 120. Identifiers: MedGen C5935622, MONDO:0970994, OMIM 620836.

Allele frequency attached by ClinVar (database versions not stated): TOPMed below 0.00001; gnomAD exomes 0.00001.

Submissions (5):

Labcorp Genetics (formerly Invitae), Labcorp
Classification: Uncertain significance for POLD1-related polyposis and colorectal cancer syndrome. Last evaluated: 2025-12-14. Review status: criteria provided, single submitter. Criteria: Invitae Variant Classification Sherloc (09022015). Collection method: clinical testing. Allele origin: germline.
Comment: This sequence change replaces arginine, which is basic and polar, with cysteine, which is neutral and slightly polar, at codon 218 of the POLD1 protein (p.Arg218Cys). This variant is not present in population databases (gnomAD no frequency). This variant has not been reported in the literature in individuals affected with POLD1-related conditions. ClinVar contains an entry for this variant (Variation ID: 570525). Invitae Evidence Modeling of protein sequence and biophysical properties (such as structural, functional, and spatial information, amino acid conservation, physicochemical variation, residue mobility, and thermodynamic stability) has been performed for this missense variant. However, the output from this modeling did not meet the statistical confidence thresholds required to predict the impact of this variant on POLD1 protein function. In summary, the available evidence is currently insufficient to determine the role of this variant in disease. Therefore, it has been classified as a Variant of Uncertain Significance.

Ambry Genetics
Classification: Uncertain significance for Hereditary cancer-predisposing syndrome. Last evaluated: 2024-12-23. Review status: criteria provided, single submitter. Criteria: Ambry Variant Classification Scheme 2023. Collection method: clinical testing. Allele origin: germline.
Comment: The p.R218C variant (also known as c.652C>T), located in coding exon 5 of the POLD1 gene, results from a C to T substitution at nucleotide position 652. The arginine at codon 218 is replaced by cysteine, an amino acid with highly dissimilar properties. This amino acid position is highly conserved in available vertebrate species. In addition, the in silico prediction for this alteration is inconclusive. Based on the available evidence, the clinical significance of this variant remains unclear.

Fulgent Genetics
Classification: Uncertain significance for POLD1-related polyposis and colorectal cancer syndrome; Mandibular hypoplasia-deafness-progeroid syndrome; Immunodeficiency 120. Last evaluated: 2024-04-04. Review status: criteria provided, single submitter. Criteria: ACMG Guidelines, 2015. Collection method: clinical testing. Allele origin: germline.

Revvity Omics, Revvity
Classification: Uncertain significance for Mandibular hypoplasia-deafness-progeroid syndrome. Last evaluated: 2022-05-16. Review status: criteria provided, single submitter. Criteria: ACMG Guidelines, 2015. Collection method: clinical testing. Allele origin: germline.

Fulgent Genetics
Classification: Uncertain significance for POLD1-related polyposis and colorectal cancer syndrome; Mandibular hypoplasia-deafness-progeroid syndrome. Last evaluated: 2018-10-31. Review status: criteria provided, single submitter. Criteria: ACMG Guidelines, 2015. Collection method: clinical testing. Allele origin: unknown.

NM_002691.4(POLD1):c.652C>T (p.Arg218Cys)

Gene: POLD1 (DNA polymerase delta 1, catalytic subunit; plus strand). Cytogenetic location: 19q13.33.
Variant type: single nucleotide variant.
Coding change: c.652C>T on transcript NM_002691.4 (MANE Select); coding-DNA position 652, C replaced by T.
Protein change: p.Arg218Cys; replaces arginine 218 with cysteine.
Molecular consequence: missense variant. On other transcripts: non-coding transcript variant (1).
Genome position (GRCh38, 1-based): chr19:50,402,267, C>T. VCF-style: chr19-50402267-C-T. GRCh37 (hg19) VCF-style: chr19-50905524-C-T.
Other names: c.652C>T, p.Arg218Cys (NM_001256849.1, NM_001308632.1); c.652C>T (NM_002691.2); short protein forms R218C.
Identifiers: ClinVar variation 570525 (VCV000570525.17), dbSNP rs1295943468, ClinGen allele CA406974142.